The following is an entry in ClinVar:

NM_014931.4(PPP6R1):c.856G>A (p.Val286Met)

Gene: PPP6R1 (protein phosphatase 6 regulatory subunit 1; minus strand). Cytogenetic location: 19q13.42.
Variant type: single nucleotide variant.
Coding change: c.856G>A on transcript NM_014931.4 (MANE Select); coding-DNA position 856, G replaced by A.
Protein change: p.Val286Met; replaces valine 286 with methionine.
Molecular consequence: missense variant.
Genome position (GRCh38, 1-based): chr19:55,241,629, C>T on the plus strand (G>A on the coding strand, the complement: PPP6R1 is on the minus strand). VCF-style: chr19-55241629-C-T. GRCh37 (hg19) VCF-style: chr19-55752997-C-T.
Other names: short protein forms V286M.
Identifiers: ClinVar variation 778870 (VCV000778870.28), dbSNP rs118109446, ClinGen allele CA9671256.

ClinVar aggregate classification (germline): Benign/Likely benign. Review status: criteria provided, multiple submitters, no conflicts (2 of 4 stars). 3 submissions from 3 submitters: Benign (2); Likely benign (1). Last evaluated 2024-12-01.

Allele frequency attached by ClinVar (database versions not stated): 1000 Genomes Project 0.00260; 1000 Genomes Project 30x 0.00281; gnomAD exomes 0.00396; gnomAD 0.00509 and 0.00528; ESP Exome Variant Server 0.00567; TOPMed 0.00581; ExAC 0.00857.
gnomAD v4.1: 9,856 of 1,577,460 alleles (0.62%); highest among the groups gnomAD compares: Non-Finnish European, 0.75%; 50 homozygotes.

Submissions (3):

CeGaT Center for Human Genetics Tuebingen
Classification: Likely benign. Last evaluated: 2024-12-01. Review status: criteria provided, single submitter. Criteria: CeGaT Center For Human Genetics Tuebingen Variant Classification Criteria Version 2. Collection method: clinical testing. Allele origin: germline. Affected: yes. Observed: 2 variant alleles.
Comment: PPP6R1: BP4, BS2

Labcorp Genetics (formerly Invitae), Labcorp
Classification: Benign. Last evaluated: 2018-04-16. Review status: criteria provided, single submitter. Criteria: Invitae Variant Classification Sherloc (09022015). Collection method: clinical testing. Allele origin: germline.

Breakthrough Genomics
Classification: Benign. Review status: criteria provided, single submitter. Criteria: ACMG Guidelines, 2015. Collection method: not provided. Allele origin: germline. Inheritance: Unknown mechanism. Affected: yes.